The following is an entry in ClinVar:

NM_005267.5(GJA8):c.19C>A (p.Leu7Met)

Gene: GJA8 (gap junction protein alpha 8; plus strand). Cytogenetic location: 1q21.2.
Variant type: single nucleotide variant.
Coding change: c.19C>A on transcript NM_005267.5 (MANE Select); coding-DNA position 19, C replaced by A.
Protein change: p.Leu7Met; replaces leucine 7 with methionine.
Molecular consequence: missense variant.
Genome position (GRCh38, 1-based): chr1:147,907,974, C>A. VCF-style: chr1-147907974-C-A. GRCh37 (hg19) VCF-style: chr1-147380101-C-A.
Other names: short protein forms L7M.
Identifiers: ClinVar variation 772629 (VCV000772629.7), dbSNP rs150441169, ClinGen allele CA1065852.

ClinVar aggregate classification (germline): Conflicting classifications of pathogenicity. Review status: criteria provided, conflicting classifications (1 of 4 stars). 3 submissions from 3 submitters: Uncertain significance (1); Likely benign (1). 1 of the submissions does not count toward it. Last evaluated 2023-01-21.

Conditions:
Cataract 1 multiple types. Also called: CATARACT, DUFFY-LINKED; CATARACT 1, MULTIPLE TYPES, WITH OR WITHOUT MICROCORNEA; CATARACT 1, NUCLEAR PROGRESSIVE; CATARACT 1 WITH MICROCORNEA; CATARACT 1, POSTERIOR SUBCAPSULAR, WITH MICROCORNEA; CATARACT 1, STELLATE NUCLEAR, WITH MICROCORNEA. Identifiers: Orphanet 1377, MedGen C1861828, MONDO:0007285, OMIM 116200.
GJA8-related disorder. Also called: GJA8-related condition.

Allele frequency attached by ClinVar (database versions not stated): ExAC 0.00018; gnomAD exomes 0.00018; 1000 Genomes Project 30x 0.00031; 1000 Genomes Project 0.00040; ESP Exome Variant Server 0.00069; gnomAD 0.00077 and 0.00083; TOPMed 0.00081.

Submissions (3):

Dept. Genetics and Cancer, Menzies Institute for Medical Research, University of Tasmania
Classification: Uncertain significance for Cataract 1 multiple types. Last evaluated: 2023-01-21. Review status: criteria provided, single submitter. Criteria: ACMG Guidelines, 2015. Collection method: curation. Allele origin: germline. Affected: no.
Comment: Variant identified and curated during a GJA8 specific review of the literature in relation to pediatric or congenital cataract. ACMG-AMP criteria applied: BS1(Moderate), PM1(Supporting), PP3. Original variant report: PMID:29464339. No cataract phenotype reported for this proband, additional reported phenotypes in the individual are; Microphthalmia, retinal detachment, heart anomaly, absent left kidney, septum pellucidum abnormality. Gene review and curation guidelines are outlined in: DOI 10.1080/17469899.2023.2160320

Labcorp Genetics (formerly Invitae), Labcorp
Classification: Likely benign for Cataract 1. Last evaluated: 2019-12-31. Review status: criteria provided, single submitter. Criteria: Invitae Variant Classification Sherloc (09022015). Collection method: clinical testing. Allele origin: germline.

PreventionGenetics, part of Exact Sciences
Classification: Likely benign for GJA8-related condition. Last evaluated: 2020-06-05. Review status: no assertion criteria provided. Collection method: clinical testing. Allele origin: germline. Not counted in ClinVar's aggregate classification.
Comment: This variant is classified as likely benign based on ACMG/AMP sequence variant interpretation guidelines (Richards et al. 2015 PMID: 25741868, with internal and published modifications).

Literature cited by the submitters: PubMed 29464339 (cited by Dept. Genetics and Cancer, Menzies Institute for Medical Research, University of Tasmania).